The following is an entry in ClinVar:

ClinVar aggregate classification (germline): Pathogenic (0 of 4 stars; one submission).

Submission:

Leeds Amelogenesis Imperfecta Research Group, University of Leeds
Classification: Pathogenic. Last evaluated: 2023-01-04. Review status: no assertion criteria provided. Collection method: research. Allele origin: paternal, maternal. Inheritance: Autosomal recessive inheritance. Affected: yes. Observed: 2 compound heterozygotes. Clinical features observed: Amelogenesis imperfecta (HP:0000705), Sensorineural hearing loss disorder (HP:0000407), Predominantly lower limb lymphedema (HP:0003550), Cellulitis (HP:0100658). Segregation with disease observed.
Comment: previously been identified in gnomAD as a heterozygous variant in one individual, suggesting an allele frequency of 4.024 x10-6

NM_012401.4(PLXNB2):c.2606del (p.Phe869fs)

Gene: PLXNB2 (plexin B2; minus strand). Cytogenetic location: 22q13.33.
Variant type: Deletion.
Coding change: c.2606del on transcript NM_012401.4 (MANE Select); coding-DNA position 2606, one base deleted (T; older notation c.2606delT).
Protein change: p.Phe869fs; shifts the reading frame from phenylalanine 869.
Molecular consequence: frameshift variant.
Genome position (GRCh38, 1-based): chr22:50,283,410, A deleted on the plus strand (T on the coding strand, the reverse complement: PLXNB2 is on the minus strand); the first of 3 consecutive A bases (chr22:50,283,410-50,283,412); deleting any one gives the same sequence. VCF-style (leftmost placement, unchanged base first): chr22-50283409-GA-G. GRCh37 (hg19) VCF-style: chr22-50721838-GA-G.
Other names: c.2606del, p.Phe869fs (NM_001376864.1, NM_001376866.1, NM_001376867.1 and 18 more transcripts); c.2675del, p.Phe892fs (NM_001376865.1); c.2513del, p.Phe838fs (NM_001376886.1); short protein forms F838fs, F869fs, F892fs.
Identifiers: ClinVar variation 1895425 (VCV001895425.1), dbSNP rs2519600815, ClinGen allele CA2580615364.